The following is an entry in ClinVar:

ClinVar aggregate classification (germline): Uncertain significance. Review status: criteria provided, multiple submitters, no conflicts (2 of 4 stars). 2 submissions from 2 submitters: Uncertain significance (2). Last evaluated 2024-01-31.

Conditions:
Focal segmental glomerulosclerosis 8 (FSGS8). Identifiers: Orphanet 656, MedGen C4014993, MONDO:0014462, OMIM 616032.

Allele frequency attached by ClinVar (database versions not stated): gnomAD 0.00001; gnomAD exomes 0.00001 and 0.00002; TOPMed 0.00002.
gnomAD v4.1: 8 of 1,608,292 alleles (0.0005%); highest among the groups gnomAD compares: East Asian, 0.018%; no homozygotes.

Submissions (2):

Fulgent Genetics
Classification: Uncertain significance for Focal segmental glomerulosclerosis 8. Last evaluated: 2024-01-31. Review status: criteria provided, single submitter. Criteria: ACMG Guidelines, 2015. Collection method: clinical testing. Allele origin: germline.

Labcorp Genetics (formerly Invitae), Labcorp
Classification: Uncertain significance. Last evaluated: 2022-07-19. Review status: criteria provided, single submitter. Criteria: Invitae Variant Classification Sherloc (09022015). Collection method: clinical testing. Allele origin: germline.
Comment: This sequence change replaces aspartic acid, which is acidic and polar, with valine, which is neutral and non-polar, at codon 1021 of the ANLN protein (p.Asp1021Val). This variant is present in population databases (no rsID available, gnomAD 0.03%). This missense change has been observed in individual(s) with focal segmental glomerulosclerosis (PMID: 30076350). ClinVar contains an entry for this variant (Variation ID: 1522565). Algorithms developed to predict the effect of missense changes on protein structure and function are either unavailable or do not agree on the potential impact of this missense change (SIFT: "Deleterious"; PolyPhen-2: "Probably Damaging"; Align-GVGD: "Class C0"). In summary, the available evidence is currently insufficient to determine the role of this variant in disease. Therefore, it has been classified as a Variant of Uncertain Significance.

Literature cited by the submitters: PubMed 30076350 (cited by Labcorp Genetics (formerly Invitae), Labcorp).

NM_018685.5(ANLN):c.3062A>T (p.Asp1021Val)

Gene: ANLN (anillin, actin binding protein; plus strand). Cytogenetic location: 7p14.2.
Variant type: single nucleotide variant.
Coding change: c.3062A>T on transcript NM_018685.5 (MANE Select); coding-DNA position 3062, A replaced by T.
Protein change: p.Asp1021Val; replaces aspartic acid 1021 with valine.
Molecular consequence: missense variant.
Genome position (GRCh38, 1-based): chr7:36,443,846, A>T. VCF-style: chr7-36443846-A-T. GRCh37 (hg19) VCF-style: chr7-36483455-A-T.
Other names: c.2951A>T, p.Asp984Val (NM_001284301.3); c.2948A>T, p.Asp983Val (NM_001284302.3); short protein forms D1021V, D984V, D983V.
Identifiers: ClinVar variation 1522565 (VCV001522565.7), dbSNP rs1432523754, ClinGen allele CA367198961.
Genomic context (GRCh38, chr7:36,443,846, plus strand): 5'-CCTGGCATCGAAGATGGTGTGTTCTTTCTGGAAACTGTATATCTTATTGGACTTATCCAG[A>T]TGATGAGAAACGCAAGGTAATTTATATAGTACTGTTTAGTGGTGAAAGCCCTGATTGACT-3'
Protein context (NP_061155.2, residues 1011-1031): GNCISYWTYP[Asp1021Val]DEKRKNPIGR